The following is an entry in ClinVar:

NM_000814.6(GABRB3):c.506C>T (p.Pro169Leu)

Gene: GABRB3 (gamma-aminobutyric acid type A receptor subunit beta3; minus strand). Cytogenetic location: 15q12.
Variant type: single nucleotide variant.
Coding change: c.506C>T on transcript NM_000814.6 (MANE Select); coding-DNA position 506, C replaced by T.
Protein change: p.Pro169Leu; replaces proline 169 with leucine.
Molecular consequence: missense variant.
Genome position (GRCh38, 1-based): chr15:26,583,370, G>A on the plus strand (C>T on the coding strand, the complement: GABRB3 is on the minus strand). VCF-style: chr15-26583370-G-A. GRCh37 (hg19) VCF-style: chr15-26828517-G-A.
Other names: c.251C>T, p.Pro84Leu (NM_001191320.2, NM_001278631.2); c.293C>T, p.Pro98Leu (NM_001191321.3); c.506C>T, p.Pro169Leu (NM_021912.5); short protein forms P169L, P84L, P98L.
Identifiers: ClinVar variation 537288 (VCV000537288.9), dbSNP rs1555368630, ClinGen allele CA391458049.

ClinVar aggregate classification (germline): Uncertain significance. Review status: criteria provided, multiple submitters, no conflicts (2 of 4 stars). 2 submissions from 2 submitters: Uncertain significance (2). Last evaluated 2024-05-18.

Conditions:
Epilepsy, childhood absence, susceptibility to, 1. Also called: Epilepsy, childhood absence 1. Identifiers: Orphanet 64280, MedGen C1838604, MONDO:0020759, OMIM 600131.
Epilepsy, childhood absence, susceptibility to, 5. Identifiers: Orphanet 64280, MedGen C2677087, MONDO:0012843, OMIM 612269.

Submissions (2):

Labcorp Genetics (formerly Invitae), Labcorp
Classification: Uncertain significance for Epilepsy, childhood absence, susceptibility to, 5; Epilepsy, childhood absence, susceptibility to, 1. Last evaluated: 2024-05-18. Review status: criteria provided, single submitter. Criteria: Invitae Variant Classification Sherloc (09022015). Collection method: clinical testing. Allele origin: germline.
Comment: This sequence change replaces proline, which is neutral and non-polar, with leucine, which is neutral and non-polar, at codon 169 of the GABRB3 protein (p.Pro169Leu). This variant is not present in population databases (gnomAD no frequency). This variant has not been reported in the literature in individuals affected with GABRB3-related conditions. ClinVar contains an entry for this variant (Variation ID: 537288). Advanced modeling of protein sequence and biophysical properties (such as structural, functional, and spatial information, amino acid conservation, physicochemical variation, residue mobility, and thermodynamic stability) performed at Invitae indicates that this missense variant is expected to disrupt GABRB3 protein function with a positive predictive value of 95%. In summary, the available evidence is currently insufficient to determine the role of this variant in disease. Therefore, it has been classified as a Variant of Uncertain Significance.

GeneDx
Classification: Uncertain significance. Last evaluated: 2023-12-07. Review status: criteria provided, single submitter. Criteria: GeneDx Variant Classification Process June 2021. Collection method: clinical testing. Allele origin: germline. Affected: yes.
Comment: Not observed at significant frequency in large population cohorts (gnomAD); In silico analysis supports that this missense variant has a deleterious effect on protein structure/function; Has not been previously published as pathogenic or benign to our knowledge